The following is an entry in ClinVar:

ClinVar aggregate classification (germline): Uncertain significance (0 of 4 stars; one submission).

Conditions:
MUC16-related disorder. Also called: MUC16-related condition.

Submission:

PreventionGenetics, part of Exact Sciences
Classification: Uncertain significance for MUC16-related condition. Last evaluated: 2023-12-23. Review status: no assertion criteria provided. Collection method: clinical testing. Allele origin: germline.
Comment: The MUC16 c.39173C>G variant is predicted to result in the amino acid substitution p.Pro13058Arg. To our knowledge, this variant has not been reported in the literature or in a large population database, indicating this variant is rare. At this time, the clinical significance of this variant is uncertain due to the absence of conclusive functional and genetic evidence.

NM_001401501.2(MUC16):c.39359C>G (p.Pro13120Arg)

Gene: MUC16 (mucin 16, cell surface associated; minus strand). Cytogenetic location: 19p13.2.
Variant type: single nucleotide variant.
Coding change: c.39359C>G on transcript NM_001401501.2 (MANE Select); coding-DNA position 39359, C replaced by G.
Protein change: p.Pro13120Arg; replaces proline 13120 with arginine.
Molecular consequence: missense variant.
Genome position (GRCh38, 1-based): chr19:8,898,624, G>C on the plus strand (C>G on the coding strand, the complement: MUC16 is on the minus strand). VCF-style: chr19-8898624-G-C. GRCh37 (hg19) VCF-style: chr19-9009300-G-C.
Other names: c.39785C>G, p.Pro13262Arg (NM_001414686.1); c.39239C>G, p.Pro13080Arg (NM_001414687.1); c.39173C>G, p.Pro13058Arg (NM_024690.2); short protein forms P13058R, P13080R, P13120R, P13262R.
Identifiers: ClinVar variation 3055966 (VCV003055966.2), dbSNP rs1488478837, ClinGen allele CA403819408.